The following is an entry in ClinVar:

ClinVar aggregate classification (germline): Uncertain significance. Review status: criteria provided, multiple submitters, no conflicts (2 of 4 stars). 2 submissions from 2 submitters: Uncertain significance (2). Last evaluated 2024-05-10.

Allele frequency attached by ClinVar (database versions not stated): gnomAD exomes 0.00001; ExAC 0.00005.
gnomAD v4.1: 15 of 1,548,508 alleles (0.00097%); highest among the groups gnomAD compares: Middle Eastern, 0.067%; no homozygotes.

Submissions (2):

Blueprint Genetics
Classification: Uncertain significance. Last evaluated: 2024-05-10. Review status: criteria provided, single submitter. Criteria: ACMG Guidelines, 2015. Collection method: clinical testing. Allele origin: germline.

Labcorp Genetics (formerly Invitae), Labcorp
Classification: Uncertain significance. Last evaluated: 2022-01-27. Review status: criteria provided, single submitter. Criteria: Invitae Variant Classification Sherloc (09022015). Collection method: clinical testing. Allele origin: germline.
Comment: This sequence change replaces asparagine, which is neutral and polar, with serine, which is neutral and polar, at codon 939 of the EYS protein (p.Asn939Ser). This variant is present in population databases (rs757001678, gnomAD 0.009%). This variant has not been reported in the literature in individuals affected with EYS-related conditions. Algorithms developed to predict the effect of missense changes on protein structure and function (SIFT, PolyPhen-2, Align-GVGD) all suggest that this variant is likely to be disruptive. Algorithms developed to predict the effect of sequence changes on RNA splicing suggest that this variant may create or strengthen a splice site. In summary, the available evidence is currently insufficient to determine the role of this variant in disease. Therefore, it has been classified as a Variant of Uncertain Significance.

NM_001142800.2(EYS):c.2816A>G (p.Asn939Ser)

Gene: EYS (EGF-like photoreceptor maintenance factor; minus strand). Cytogenetic location: 6q12.
Variant type: single nucleotide variant.
Coding change: c.2816A>G on transcript NM_001142800.2 (MANE Select); coding-DNA position 2816, A replaced by G.
Protein change: p.Asn939Ser; replaces asparagine 939 with serine.
Molecular consequence: missense variant.
Genome position (GRCh38, 1-based): chr6:64,902,143, T>C on the plus strand (A>G on the coding strand, the complement: EYS is on the minus strand). VCF-style: chr6-64902143-T-C. GRCh37 (hg19) VCF-style: chr6-65612036-T-C.
Other names: c.2816A>G, p.Asn939Ser (NM_001292009.2); short protein forms N939S.
Identifiers: ClinVar variation 2153146 (VCV002153146.2), dbSNP rs757001678, ClinGen allele CA3877249.
Genomic context (GRCh38, chr6:64,902,143, plus strand): 5'-TAATTAATTTAATAAAAAGTAGCTTCTCACCTGTTTGTCAGATCCACACATGTTCCATTA[T>C]TTTTGCAAGGTTCAGAGGAACATTCATTAATTTCAATTTCACACAGAGATCCAGAAAACC-3'
Protein context (NP_001136272.1, residues 929-949): INECSSEPCK[Asn939Ser]NGTCVDLTNR